The following is an entry in ClinVar:

ClinVar aggregate classification (germline): Uncertain significance. Review status: criteria provided, multiple submitters, no conflicts (2 of 4 stars). 2 submissions from 2 submitters: Uncertain significance (2). Last evaluated 2024-05-23.

Conditions:
Familial hyperaldosteronism type II. Also called: FH II. Identifiers: Orphanet 404, MedGen C1854107, MONDO:0011576, OMIM 605635.
Epilepsy, idiopathic generalized, susceptibility to, 11 (EIG11). Identifiers: Orphanet 307, MedGen C2750893, MONDO:0011875, OMIM 607628.
Leukoencephalopathy with mild cerebellar ataxia and white matter edema (LKPAT). Also called: Leukoencephalopathy with ataxia; Leukoencephalopathy with white matter edema; Brain white matter edema; CLCN2-Related Leukoencephalopathy. Identifiers: Orphanet 363540, MedGen C4554120, MONDO:0014292, OMIM 615651. Disease mechanism: loss of function.

gnomAD v4.1: 16 of 1,613,336 alleles (0.00099%); highest among the groups gnomAD compares: East Asian, 0.011%; no homozygotes.

Submissions (2):

Fulgent Genetics
Classification: Uncertain significance for Familial hyperaldosteronism type II; Epilepsy, idiopathic generalized, susceptibility to, 11; Leukoencephalopathy with mild cerebellar ataxia and white matter edema. Last evaluated: 2024-05-23. Review status: criteria provided, single submitter. Criteria: ACMG Guidelines, 2015. Collection method: clinical testing. Allele origin: germline.

Juno Genomics, Hangzhou Juno Genomics, Inc
Classification: Uncertain significance for Epilepsy, idiopathic generalized, susceptibility to, 11; Familial hyperaldosteronism type II; Leukoencephalopathy with mild cerebellar ataxia and white matter edema. Review status: criteria provided, single submitter. Criteria: ACMG Guidelines, 2015. Collection method: clinical testing. Allele origin: germline.
Comment: Absent from controls (or at extremely low frequency if recessive) in Genome Aggregation Database.;Multiple lines of computational evidence support a deleterious effect on the gene or gene product.

NM_004366.6(CLCN2):c.1627G>A (p.Ala543Thr)

Gene: CLCN2 (chloride voltage-gated channel 2; minus strand). Cytogenetic location: 3q27.1.
Variant type: single nucleotide variant.
Coding change: c.1627G>A on transcript NM_004366.6 (MANE Select); coding-DNA position 1627, G replaced by A.
Protein change: p.Ala543Thr; replaces alanine 543 with threonine.
Molecular consequence: missense variant.
Genome position (GRCh38, 1-based): chr3:184,354,195, C>T on the plus strand (G>A on the coding strand, the complement: CLCN2 is on the minus strand). VCF-style: chr3-184354195-C-T. GRCh37 (hg19) VCF-style: chr3-184071983-C-T.
Other names: c.1576G>A, p.Ala526Thr (NM_001171087.3); c.1495G>A, p.Ala499Thr (NM_001171088.3); c.1627G>A, p.Ala543Thr (NM_001171089.3); short protein forms A499T, A526T, A543T.
Identifiers: ClinVar variation 3589014 (VCV003589014.3).